The following is an entry in ClinVar:

ClinVar aggregate classification (germline): Benign (0 of 4 stars; one submission).

Conditions:
SATL1-related disorder. Also called: SATL1-related condition.

Allele frequency attached by ClinVar (database versions not stated): ESP Exome Variant Server 0.61926; TOPMed 0.62549; 1000 Genomes Project 0.65351; 1000 Genomes Project 30x 0.65578; ExAC 0.71057.

Submission:

PreventionGenetics, part of Exact Sciences
Classification: Benign for SATL1-related condition. Last evaluated: 2019-10-16. Review status: no assertion criteria provided. Collection method: clinical testing. Allele origin: germline.
Comment: This variant is classified as benign based on ACMG/AMP sequence variant interpretation guidelines (Richards et al. 2015 PMID: 25741868, with internal and published modifications).

NM_001367857.2(SATL1):c.1694-8T>C

Gene: SATL1 (spermidine/spermine N1-acetyl transferase like 1; minus strand). Cytogenetic location: Xq21.1.
Variant type: single nucleotide variant.
Coding change: c.1694-8T>C on transcript NM_001367857.2 (MANE Select); 8 bases into the intron before coding-DNA position 1694, T replaced by C.
Molecular consequence: intron variant.
Genome position (GRCh38, 1-based): chrX:85,095,004, A>G on the plus strand (T>C on the coding strand, the complement: SATL1 is on the minus strand). VCF-style: chrX-85095004-A-G. GRCh37 (hg19) VCF-style: chrX-84350010-A-G.
Other names: c.1694-8T>C (NM_001367858.2, NM_001012980.2).
Identifiers: ClinVar variation 3059185 (VCV003059185.2), dbSNP rs4828326, ClinGen allele CA10464264.